The following is an entry in ClinVar:

NM_020066.5(FMN2):c.3066A>T (p.Pro1022=)

Gene: FMN2 (formin 2; plus strand). Cytogenetic location: 1q43.
Variant type: single nucleotide variant.
Coding change: c.3066A>T on transcript NM_020066.5 (MANE Select); coding-DNA position 3066, A replaced by T.
Protein change: p.Pro1022=; no amino-acid change (proline 1022 retained).
Molecular consequence: synonymous variant. On other transcripts: intron variant (1).
Genome position (GRCh38, 1-based): chr1:240,207,878, A>T. VCF-style: chr1-240207878-A-T. GRCh37 (hg19) VCF-style: chr1-240371178-A-T.
Other names: c.3078A>T, p.Pro1026= (NM_001305424.2); c.1986+19616A>T (NM_001348094.2).
Identifiers: ClinVar variation 3041252 (VCV003041252.9), dbSNP rs200618987, ClinGen allele CA1477007.

ClinVar aggregate classification (germline): Likely benign. Review status: criteria provided, multiple submitters, no conflicts (2 of 4 stars). 2 submissions from 2 submitters: Likely benign (2). Last evaluated 2026-09-01.

Conditions:
FMN2-related disorder. Also called: FMN2-related condition.

Allele frequency attached by ClinVar (database versions not stated): ExAC 0.00002.

Submissions (2):

CeGaT Center for Human Genetics Tuebingen
Classification: Likely benign. Last evaluated: 2026-09-01. Review status: criteria provided, single submitter. Criteria: CeGaT Center For Human Genetics Tuebingen Variant Classification Criteria Version 2. Collection method: clinical testing. Allele origin: germline. Affected: yes. Observed: 4 variant alleles.
Comment: FMN2: BP4, BP7

PreventionGenetics, part of Exact Sciences
Classification: Likely benign for FMN2-related condition. Last evaluated: 2022-06-27. Review status: criteria provided, single submitter. Criteria: ACMG Guidelines, 2015. Collection method: clinical testing. Allele origin: germline.
Comment: This variant is classified as likely benign based on ACMG/AMP sequence variant interpretation guidelines (Richards et al. 2015 PMID: 25741868, with internal and published modifications).